The following is an entry in ClinVar:

ClinVar aggregate classification (germline): Conflicting classifications of pathogenicity. Review status: criteria provided, conflicting classifications (1 of 4 stars). 4 submissions from 4 submitters: Likely pathogenic (3); Uncertain significance (1). Last evaluated 2026-04-09.

Conditions:
Hereditary cancer-predisposing syndrome. Also called: Hereditary Cancer Syndrome; Tumor predisposition; Hereditary neoplastic syndrome; Neoplastic Syndromes, Hereditary. Identifiers: Orphanet 140162, MedGen C0027672, MeSH D009386, MONDO:0015356.
Fanconi anemia complementation group O. Also called: RAD51C-Related Fanconi Anemia. Identifiers: Orphanet 84, MedGen C3150653, MONDO:0013248, OMIM 613390.

Submissions (4):

Ambry Genetics
Classification: Likely pathogenic for Hereditary cancer-predisposing syndrome. Last evaluated: 2026-04-09. Review status: criteria provided, single submitter. Criteria: Ambry Variant Classification Scheme 2023. Collection method: clinical testing. Allele origin: germline.
Comment: The p.R347* variant (also known as c.1039A>T), located in coding exon 9 of the RAD51C gene, results from an A to T substitution at nucleotide position 1039. This changes the amino acid from an arginine to a stop codon within coding exon 9. This variant occurs at the 3' terminus of the gene, is not expected to trigger nonsense-mediated mRNA decay, and impacts the last 8% of the protein. However, premature stop codons are typically deleterious in nature, the impacted region is critical for protein function, and a significant portion of the protein is affected (French CA et al. J Biol Chem, 2003 Nov;278:45445-50, Ambry internal data). In a homology-directed DNA repair (HDR) assay, this alteration showed a functionally abnormal read-out (Olvera-Le&oacute;n R et al. Cell, 2024 Oct;187:5719-5734.e19). This variant is considered to be rare based on population cohorts in the Genome Aggregation Database (gnomAD). Based on the majority of available evidence to date, this variant is likely to be pathogenic.

Labcorp Genetics (formerly Invitae), Labcorp
Classification: Likely pathogenic for Fanconi anemia complementation group O. Last evaluated: 2024-02-15. Review status: criteria provided, single submitter. Criteria: Invitae Variant Classification Sherloc (09022015). Collection method: clinical testing. Allele origin: germline.
Comment: This sequence change creates a premature translational stop signal (p.Arg347*) in the RAD51C gene. While this is not anticipated to result in nonsense mediated decay, it is expected to disrupt the last 30 amino acid(s) of the RAD51C protein. This variant is not present in population databases (gnomAD no frequency). This variant has not been reported in the literature in individuals affected with RAD51C-related conditions. ClinVar contains an entry for this variant (Variation ID: 449729). This variant disrupts the nuclear localization signal (NLS) of the RAD51C protein, which is important for proper localization and function of the RAD51C protein (PMID:12966089). While functional studies have not been performed to directly test the effect of this variant on RAD51C protein function, this suggests that disruption of this region of the protein is causative of disease. In summary, the currently available evidence indicates that the variant is pathogenic, but additional data are needed to prove that conclusively. Therefore, this variant has been classified as Likely Pathogenic.

Color Diagnostics, LLC DBA Color Health
Classification: Uncertain significance for Hereditary cancer-predisposing syndrome. Last evaluated: 2020-08-26. Review status: criteria provided, single submitter. Criteria: ACMG Guidelines, 2015. Collection method: clinical testing. Allele origin: germline.
Comment: This variant changes 1 nucleotide in exon 9 of the RAD51C gene, creating a translation stop signal. The mutant transcript is expected to escape nonsense-mediated decay and be expressed as a truncated protein lacking the functionally important nuclear localization signal (a.a. 366-370) required for nuclear localization and robust rescue of sensitivity to mitomycin C treatment in RAD51-deficient cells (PMID: 12966089). To our knowledge, functional studies have not been reported for this variant nor has this variant been reported in individuals affected with hereditary cancer in the literature. However, splice site and deletion variants that disrupt the last exon 9, encoding a.a. 343-376, have been reported in individuals affected with ovarian cancer (PMID: 26270727, Color internal data, communication with external laboratory). This variant has not been identified in the general population by the Genome Aggregation Database (gnomAD). Available evidence is insufficient to determine the role of this variant in disease conclusively. Therefore, this variant is classified as a Variant of Uncertain Significance.

GeneDx
Classification: Likely pathogenic. Last evaluated: 2020-01-17. Review status: criteria provided, single submitter. Criteria: GeneDx Variant Classification Process June 2021. Collection method: clinical testing. Allele origin: germline. Affected: yes.
Comment: Nonsense variant in the C-terminus predicted to result in protein truncation, as the last 30 amino acids are lost including the nuclear localization signal (French 2003); Not observed in large population cohorts (Lek 2016); Has not been previously published as pathogenic or benign to our knowledge

Literature cited by the submitters: PubMed 12966089 (cited by Ambry Genetics and Labcorp Genetics (formerly Invitae), Labcorp); PubMed 39299233 (cited by Ambry Genetics).

NM_058216.3(RAD51C):c.1039A>T (p.Arg347Ter)

Gene: RAD51C (RAD51 paralog C; plus strand). Cytogenetic location: 17q22.
Variant type: single nucleotide variant.
Coding change: c.1039A>T on transcript NM_058216.3 (MANE Select); coding-DNA position 1039, A replaced by T.
Protein change: p.Arg347Ter; replaces arginine 347 with a stop codon.
Molecular consequence: nonsense. On other transcripts: non-coding transcript variant (1).
Genome position (GRCh38, 1-based): chr17:58,734,130, A>T. VCF-style: chr17-58734130-A-T. GRCh37 (hg19) VCF-style: chr17-56811491-A-T.
Other names: short protein forms R347*.
Identifiers: ClinVar variation 449729 (VCV000449729.21), dbSNP rs1555605532, ClinGen allele CA400365939.